The following is an entry in ClinVar:

NM_032532.3(FNDC1):c.2085G>T (p.Ser695=)

Gene: FNDC1 (fibronectin type III domain containing 1; plus strand). Cytogenetic location: 6q25.3.
Variant type: single nucleotide variant.
Coding change: c.2085G>T on transcript NM_032532.3 (MANE Select); coding-DNA position 2085, G replaced by T.
Protein change: p.Ser695=; no amino-acid change (serine 695 retained).
Molecular consequence: synonymous variant.
Genome position (GRCh38, 1-based): chr6:159,232,597, G>T. VCF-style: chr6-159232597-G-T. GRCh37 (hg19) VCF-style: chr6-159653629-G-T.
Identifiers: ClinVar variation 2657095 (VCV002657095.24), dbSNP rs377692454, ClinGen allele CA4077284.
Genomic context (GRCh38, chr6:159,232,597, plus strand): 5'-GTCCCCGTCCAGCGTTCTCCGCGACAGAAGCTCTGTGCACCCCGGCGCAAAGCCAGCCTC[G>T]CCGGCCCGGAGGACCCCCCATTCAGGGGCCGCAGAGGAAGATTCCAGTGCCTCAGCCCCA-3'
Protein context (NP_115921.2, residues 685-705): SSVHPGAKPA[Ser695=]PARRTPHSGA

ClinVar aggregate classification (germline): Likely benign (1 of 4 stars; one submission).

Allele frequency attached by ClinVar (database versions not stated): TOPMed 0.00003; gnomAD 0.00007; ExAC 0.00009; ESP Exome Variant Server 0.00025.
gnomAD v4.1: 121 of 1,608,024 alleles (0.0075%); highest among the groups gnomAD compares: Middle Eastern, 0.33%; no homozygotes.

Submission:

CeGaT Center for Human Genetics Tuebingen
Classification: Likely benign. Last evaluated: 2022-04-01. Review status: criteria provided, single submitter. Criteria: CeGaT Center For Human Genetics Tuebingen Variant Classification Criteria Version 2. Collection method: clinical testing. Allele origin: germline. Affected: yes. Observed: 1 variant allele.
Comment: FNDC1: BP4, BP7